The following is an entry in ClinVar:

ClinVar aggregate classification (germline): Uncertain significance. Review status: criteria provided, multiple submitters, no conflicts (2 of 4 stars). 2 submissions from 2 submitters: Uncertain significance (2). Last evaluated 2021-12-02.

Conditions:
Bethlem myopathy 1A. Also called: MYOPATHY, BENIGN CONGENITAL, WITH CONTRACTURES; Bethlem myopathy 1; Bethlem Muscular Dystrophy. Identifiers: Orphanet 610, MedGen CN029274, MONDO:0024530, OMIM 158810.

Submissions (2):

Labcorp Genetics (formerly Invitae), Labcorp
Classification: Uncertain significance for Bethlem myopathy 1A. Last evaluated: 2021-12-02. Review status: criteria provided, single submitter. Criteria: Invitae Variant Classification Sherloc (09022015). Collection method: clinical testing. Allele origin: germline.
Comment: This sequence change replaces alanine, which is neutral and non-polar, with aspartic acid, which is acidic and polar, at codon 25 of the COL6A3 protein (p.Ala25Asp). This variant is not present in population databases (gnomAD no frequency). This missense change has been observed in individual(s) with clinical features of autosomal dominant COL6A3-related conditions (Invitae). ClinVar contains an entry for this variant (Variation ID: 94987). Advanced modeling of protein sequence and biophysical properties (such as structural, functional, and spatial information, amino acid conservation, physicochemical variation, residue mobility, and thermodynamic stability) performed at Invitae indicates that this missense variant is not expected to disrupt COL6A3 protein function. In summary, the available evidence is currently insufficient to determine the role of this variant in disease. Therefore, it has been classified as a Variant of Uncertain Significance.

Eurofins Ntd Llc (ga)
Classification: Uncertain significance. Last evaluated: 2012-11-05. Review status: criteria provided, single submitter. Criteria: EGL Classification Definitions 2015. Collection method: clinical testing. Allele origin: germline. Observed: 2 variant alleles, 2 heterozygotes.

NM_004369.4(COL6A3):c.74C>A (p.Ala25Asp)

Gene: COL6A3 (collagen type VI alpha 3 chain; minus strand). Cytogenetic location: 2q37.3.
Variant type: single nucleotide variant.
Coding change: c.74C>A on transcript NM_004369.4 (MANE Select); coding-DNA position 74, C replaced by A.
Protein change: p.Ala25Asp; replaces alanine 25 with aspartic acid.
Molecular consequence: missense variant.
Genome position (GRCh38, 1-based): chr2:237,396,744, G>T on the plus strand (C>A on the coding strand, the complement: COL6A3 is on the minus strand). VCF-style: chr2-237396744-G-T. GRCh37 (hg19) VCF-style: chr2-238305387-G-T.
Other names: c.74C>A, p.Ala25Asp (NM_057164.5, NM_057165.5, NM_057166.5 and 1 more transcripts); short protein forms A25D.
Identifiers: ClinVar variation 94987 (VCV000094987.12), dbSNP rs398124134, ClinGen allele CA222655.
Genomic context (GRCh38, chr2:237,396,744, plus strand): 5'-TGATATTCCTTTTTACAAAATCAAGGACGTTTCTGGCTCTTACCTGCTTGCTGCTGCTGG[G>T]CATGAGTTGTAGGAAAGCCTGAGAGAAAGAGGCAAAAGACGGCCACTAAGGGCAAGTGCC-3'
Protein context (NP_004360.2, residues 15-35): LFLSGFPTTH[Ala25Asp]QQQQADVKNG